The following is an entry in ClinVar:

ClinVar aggregate classification (germline): Uncertain significance (1 of 4 stars; one submission).

Submission:

Ambry Genetics
Classification: Uncertain significance. Last evaluated: 2024-02-13. Review status: criteria provided, single submitter. Criteria: Ambry Variant Classification Scheme 2023. Collection method: clinical testing. Allele origin: germline.
Comment: The p.L669F variant (also known as c.2007G>T), located in coding exon 1 of the MLH3 gene, results from a G to T substitution at nucleotide position 2007. The leucine at codon 669 is replaced by phenylalanine, an amino acid with highly similar properties. This amino acid position is conserved. In addition, this alteration is predicted to be tolerated by in silico analysis. Based on the available evidence, the clinical significance of this alteration remains unclear.

NM_001040108.2(MLH3):c.2007G>T (p.Leu669Phe)

Gene: MLH3 (mutL homolog 3; minus strand). Cytogenetic location: 14q24.3.
Variant type: single nucleotide variant.
Coding change: c.2007G>T on transcript NM_001040108.2 (MANE Select); coding-DNA position 2007, G replaced by T.
Protein change: p.Leu669Phe; replaces leucine 669 with phenylalanine.
Molecular consequence: missense variant.
Genome position (GRCh38, 1-based): chr14:75,047,649, C>A on the plus strand (G>T on the coding strand, the complement: MLH3 is on the minus strand). VCF-style: chr14-75047649-C-A. GRCh37 (hg19) VCF-style: chr14-75514352-C-A.
Other names: c.2007G>T, p.Leu669Phe (NM_014381.3); short protein forms L669F.
Identifiers: ClinVar variation 3232468 (VCV003232468.1), dbSNP rs1189965942, ClinGen allele CA390443416.
Genomic context (GRCh38, chr14:75,047,649, plus strand): 5'-TGCTGTAGGTTCATTCTCTAGCCCATAACTTATATTCGTTCTGCAATTTTTTTTGTTGGG[C>A]AATTGACCAGATTCTTTACTTAAAGTGCTGGCTAAATCTTTGATGTCTGGAGTTTCAACT-3'
Protein context (NP_001035197.1, residues 659-679): ASTLSKESGQ[Leu669Phe]PNKKNCRTNI